The following is an entry in ClinVar:

ClinVar aggregate classification (germline): Uncertain significance. Review status: criteria provided, multiple submitters, no conflicts (2 of 4 stars). 2 submissions from 2 submitters: Uncertain significance (2). Last evaluated 2024-09-13.

Allele frequency attached by ClinVar (database versions not stated): TOPMed below 0.00001; ExAC 0.00001; gnomAD 0.00001; gnomAD exomes 0.00001.
gnomAD v4.1: 13 of 1,613,988 alleles (0.00081%); highest among the groups gnomAD compares: African/African-American, 0.0013%; no homozygotes.

Submissions (2):

Blueprint Genetics
Classification: Uncertain significance. Last evaluated: 2024-09-13. Review status: criteria provided, single submitter. Criteria: ACMG Guidelines, 2015. Collection method: clinical testing. Allele origin: germline.

Labcorp Genetics (formerly Invitae), Labcorp
Classification: Uncertain significance. Last evaluated: 2024-02-05. Review status: criteria provided, single submitter. Criteria: Invitae Variant Classification Sherloc (09022015). Collection method: clinical testing. Allele origin: germline.
Comment: This sequence change replaces asparagine, which is neutral and polar, with serine, which is neutral and polar, at codon 2286 of the FN1 protein (p.Asn2286Ser). This variant is present in population databases (rs755660970, gnomAD 0.002%). This variant has not been reported in the literature in individuals affected with FN1-related conditions. ClinVar contains an entry for this variant (Variation ID: 1445492). Algorithms developed to predict the effect of missense changes on protein structure and function output the following: SIFT: "Not Available"; PolyPhen-2: "Benign"; Align-GVGD: "Not Available". The serine amino acid residue is found in multiple mammalian species, which suggests that this missense change does not adversely affect protein function. In summary, the available evidence is currently insufficient to determine the role of this variant in disease. Therefore, it has been classified as a Variant of Uncertain Significance.

NM_212482.4(FN1):c.6857A>G (p.Asn2286Ser)

Genes: ATIC (5-aminoimidazole-4-carboxamide ribonucleotide formyltransferase/IMP cyclohydrolase; plus strand), FN1 (fibronectin 1; minus strand). Cytogenetic location: 2q35.
Variant type: single nucleotide variant.
Coding change: c.6857A>G on transcript NM_212482.4 (MANE Select); coding-DNA position 6857, A replaced by G.
Protein change: p.Asn2286Ser; replaces asparagine 2286 with serine.
Molecular consequence: missense variant.
Genome position (GRCh38, 1-based): chr2:215,368,024, T>C on the plus strand (A>G on the coding strand, the complement: FN1 is on the minus strand). VCF-style: chr2-215368024-T-C. GRCh37 (hg19) VCF-style: chr2-216232747-T-C.
Other names: c.6764A>G, p.Asn2255Ser (NM_001306129.2); c.6227A>G, p.Asn2076Ser (NM_001306130.2); c.6221A>G, p.Asn2074Ser (NM_001306131.2); c.6146A>G, p.Asn2049Ser (NM_001306132.2); c.6587A>G, p.Asn2196Ser (NM_001365517.2); c.6584A>G, p.Asn2195Ser (NM_001365518.2); c.6512A>G, p.Asn2171Ser (NM_001365519.2); c.6509A>G, p.Asn2170Ser (NM_001365520.2); and 8 more; short protein forms N2165S, N2170S, N2049S, N2074S, N2075S, N2164S, N2171S, N2195S.
Identifiers: ClinVar variation 1445492 (VCV001445492.7), dbSNP rs755660970, ClinGen allele CA2093717.
Genomic context (GRCh38, chr2:215,368,024, plus strand): 5'-TAATGGGAAACTGTGTAGGGGTCAAAGCACGAGTCATCCGTAGGTTGGTTCAAGCCTTCG[T>C]TGACTATGAAGAAAAGGAAGAAAAAGCAAAAAGAGACATCTTATTAATCGATTTGGACCA-3'
Protein context (NP_997647.2, residues 2276-2296): EEVVTVGNSV[Asn2286Ser]EGLNQPTDDS